The following is an entry in ClinVar:

ClinVar aggregate classification (germline): Pathogenic. Review status: reviewed by expert panel (3 of 4 stars). 12 submissions from 12 submitters: Pathogenic (1). 11 of the submissions do not count toward it. Last evaluated 2016-04-22.

Conditions:
BRCA2-related disorder. Also called: BRCA2-related condition; BRCA2-related disorders. Identifiers: MedGen CN239275.
BRCA2-related cancer predisposition. Identifiers: MedGen CN377758, MONDO:0700269.
Hereditary cancer-predisposing syndrome. Also called: Tumor predisposition; Neoplastic Syndromes, Hereditary; Hereditary neoplastic syndrome; Hereditary Cancer Syndrome. Identifiers: Orphanet 140162, MedGen C0027672, MeSH D009386, MONDO:0015356.
Familial cancer of breast. Also called: BREAST CANCER, FAMILIAL; hereditary breast carcinoma; Hereditary breast cancer. Identifiers: Orphanet 227535, MedGen C0346153, MONDO:0016419, OMIM 114480. Disease mechanism: loss of function.
Breast-ovarian cancer, familial, susceptibility to, 2 (BROVCA2). Also called: BRCA2 Hereditary Breast and Ovarian Cancer. Identifiers: Orphanet 145, MedGen C2675520, MONDO:0012933, OMIM 612555. Disease mechanism: loss of function.
Hereditary breast ovarian cancer syndrome. Also called: Hereditary breast and ovarian cancer; BRCA1- and BRCA2-Associated Hereditary Breast and Ovarian Cancer; Hereditary breast and/or ovarian cancer syndrome; Hereditary breast and ovarian cancer syndrome; Breast and ovarian cancer; Hereditary breast and ovarian cancer syndrome (HBOC). Identifiers: Orphanet 145, MedGen C0677776, MeSH D061325, MONDO:0003582. Disease mechanism: loss of function.

Submissions (12):

Evidence-based Network for the Interpretation of Germline Mutant Alleles (ENIGMA)
Classification: Pathogenic for Breast-ovarian cancer, familial, susceptibility to, 2. Last evaluated: 2016-04-22. Review status: reviewed by expert panel. Criteria: ENIGMA BRCA1/2 Classification Criteria (2015). Collection method: curation. Allele origin: germline.
Comment: Variant allele predicted to encode a truncated non-functional protein.

Labcorp Genetics (formerly Invitae), Labcorp
Classification: Pathogenic for Hereditary breast ovarian cancer syndrome. Last evaluated: 2025-11-10. Review status: criteria provided, single submitter. Criteria: Invitae Variant Classification Sherloc (09022015). Collection method: clinical testing. Allele origin: germline. Not counted in ClinVar's aggregate classification.
Comment: This sequence change creates a premature translational stop signal (p.Asp946Phefs*12) in the BRCA2 gene. It is expected to result in an absent or disrupted protein product. Loss-of-function variants in BRCA2 are known to be pathogenic (PMID: 20104584). This variant is not present in population databases (gnomAD no frequency). This premature translational stop signal has been observed in individual(s) with prostate cancer and breast cancer (PMID: 21952622, 26681682). ClinVar contains an entry for this variant (Variation ID: 51356). For these reasons, this variant has been classified as Pathogenic.

Ambry Genetics
Classification: Pathogenic for Hereditary cancer-predisposing syndrome. Last evaluated: 2025-08-11. Review status: criteria provided, single submitter. Criteria: Ambry Variant Classification Scheme 2023. Collection method: clinical testing. Allele origin: germline. Not counted in ClinVar's aggregate classification.
Comment: The c.2836_2837delGA (p.D946Ffs*12) alteration, located in exon 11 (coding exon 10) of the BRCA2 gene, consists of a deletion of 2 nucleotides from position 2836 to 2837, causing a translational frameshift with a predicted alternate stop codon after 12 amino acids. This alteration is expected to result in loss of function by premature protein truncation or nonsense-mediated mRNA decay. This variant was not reported in population-based cohorts in the Genome Aggregation Database (gnomAD). This variant has been identified in individuals diagnosed with breast cancer, ovarian cancer, and prostate cancer (Eccles, 2016; Couch, 2015; Kote-Jarai, 2011; Lilyquist, 2017). Based on the available evidence, this alteration is classified as pathogenic.

Baylor Genetics
Classification: Pathogenic for Familial cancer of breast. Last evaluated: 2023-12-19. Review status: criteria provided, single submitter. Criteria: ACMG Guidelines, 2015. Collection method: clinical testing. Allele origin: unknown. Not counted in ClinVar's aggregate classification.

Blueprint Genetics
Classification: Pathogenic for BRCA2-related disorders. Last evaluated: 2022-10-17. Review status: criteria provided, single submitter. Criteria: ACMG Guidelines, 2015. Collection method: clinical testing. Allele origin: germline. Affected: yes. Observed: 2 variant alleles. Not counted in ClinVar's aggregate classification.

Department of Pathology and Laboratory Medicine, Sinai Health System
Classification: Pathogenic for Familial cancer of breast; Breast-ovarian cancer, familial, susceptibility to, 2. Last evaluated: 2022-01-05. Review status: criteria provided, single submitter. Criteria: ACMG Guidelines, 2015. Collection method: clinical testing. Allele origin: germline. Affected: yes. Not counted in ClinVar's aggregate classification.

Quest Diagnostics Nichols Institute San Juan Capistrano
Classification: Pathogenic. Last evaluated: 2021-04-09. Review status: criteria provided, single submitter. Criteria: Quest Diagnostics criteria. Collection method: clinical testing. Allele origin: unknown. Not counted in ClinVar's aggregate classification.
Comment: This frameshift variant causes the premature termination of BRCA2 protein synthesis. In addition, it has been reported in individuals affected with breast cancer and prostate cancer in the published literature (PMIDs: 21952622 (2011), 23569316 (2013), 25452441 (2015), and 26681682 (2016)). This variant has not been reported in large, multi-ethnic general populations. Based on the available information, this variant is classified as pathogenic.

Color Diagnostics, LLC DBA Color Health
Classification: Pathogenic for Hereditary cancer-predisposing syndrome. Last evaluated: 2021-02-15. Review status: criteria provided, single submitter. Criteria: ACMG Guidelines, 2015. Collection method: clinical testing. Allele origin: germline. Not counted in ClinVar's aggregate classification.
Comment: This variant deletes 2 nucleotides in exon 11 of the BRCA2 gene, creating a frameshift and premature translation stop signal. This variant is expected to result in an absent or non-functional protein product. To our knowledge, functional studies have not been reported for this variant. This variant has been reported in individuals affected with breast cancer (PMID: 25452441, 26681682, 27153395) or prostate cancer (PMID: 21952622). This variant has not been identified in the general population by the Genome Aggregation Database (gnomAD). Loss of BRCA2 function is a known mechanism of disease. Based on the available evidence, this variant is classified as Pathogenic.

Women's Health and Genetics/Laboratory Corporation of America, LabCorp
Classification: Pathogenic for Hereditary breast and ovarian cancer syndrome. Last evaluated: 2019-07-24. Review status: criteria provided, single submitter. Criteria: LabCorp Variant Classification Summary - May 2015. Collection method: clinical testing. Allele origin: germline. Not counted in ClinVar's aggregate classification.
Comment: Variant summary: BRCA2 c.2836_2837delGA (p.Asp946PhefsX12) results in a premature termination codon, predicted to cause a truncation of the encoded protein or absence of the protein due to nonsense mediated decay, which are commonly known mechanisms for disease. Truncations downstream of this position have been classified as pathogenic by our laboratory. The variant was absent in 250652 control chromosomes. c.2836_2837delGA has been reported in the literature in individuals affected with Breast and Ovarian Cancer (Couch_2015, Eccles_2016) and Prostate Cancer (Kote-Jarai_2011, Castro_2012). These data indicate that the variant is likely to be associated with disease. To our knowledge, no experimental evidence demonstrating an impact on protein function has been reported. Five clinical diagnostic laboratories have submitted clinical-significance assessments for this variant to ClinVar (after 2014) and classified the variant as pathogenic. Based on the evidence outlined above, the variant was classified as pathogenic.

Consortium of Investigators of Modifiers of BRCA1/2 (CIMBA), c/o University of Cambridge
Classification: Pathogenic for Breast-ovarian cancer, familial, susceptibility to, 2. Last evaluated: 2015-10-02. Review status: criteria provided, single submitter. Criteria: CIMBA Mutation Classification guidelines May 2016. Collection method: clinical testing. Allele origin: germline. Not counted in ClinVar's aggregate classification.

University Health Network, Familial Cancer Clinic, Princess Margaret Cancer Centre
Classification: Pathogenic for BRCA2-related cancer predisposition. Review status: criteria provided, single submitter. Criteria: ACMG Guidelines, 2015. Collection method: clinical testing. Allele origin: germline. Inheritance: Autosomal dominant inheritance. Affected: yes. Observed: 1 variant allele. Not counted in ClinVar's aggregate classification.

Breast Cancer Information Core (BIC) (BRCA2)
Classification: Pathogenic for Breast-ovarian cancer, familial 2. Last evaluated: 2004-11-25. Review status: no assertion criteria provided. Collection method: clinical testing. Allele origin: germline. Affected: yes. Observed: 2 variant alleles. Not counted in ClinVar's aggregate classification.

Literature cited by the submitters: PubMed 20104584 (cited by Labcorp Genetics (formerly Invitae), Labcorp); PubMed 21952622 (cited by 5 submitters); PubMed 26681682 (cited by 5 submitters); PubMed 25452441 (cited by 4 submitters); PubMed 28888541 (cited by Ambry Genetics); PubMed 23569316 (cited by Quest Diagnostics Nichols Institute San Juan Capistrano and Women's Health and Genetics/Laboratory Corporation of America, LabCorp); PubMed 23929434 (cited by Women's Health and Genetics/Laboratory Corporation of America, LabCorp); PubMed 28152038 (cited by Women's Health and Genetics/Laboratory Corporation of America, LabCorp); PubMed 27225637 (cited by Women's Health and Genetics/Laboratory Corporation of America, LabCorp).

NM_000059.4(BRCA2):c.2836_2837del (p.Asp946fs)

Gene: BRCA2 (BRCA2 DNA repair associated; plus strand). Cytogenetic location: 13q13.1.
Variant type: Deletion.
Coding change: c.2836_2837del on transcript NM_000059.4 (MANE Select); coding-DNA positions 2836 to 2837, 2 bases deleted (GA; older notation c.2836_2837delGA).
Protein change: p.Asp946fs; shifts the reading frame from aspartic acid 946.
Molecular consequence: frameshift variant.
Genome position (GRCh38, 1-based): chr13:32,337,191-32,337,192, GA deleted; deleting any 2 consecutive bases within chr13:32,337,190-32,337,192 gives the same sequence; the c. name uses the placement nearest the transcript's 3' end. VCF-style (leftmost placement, unchanged base first): chr13-32337189-AAG-A. GRCh37 (hg19) VCF-style: chr13-32911326-AAG-A.
Other names: 3064delGA; c.2836_2837delGA (NM_000059.3).
Identifiers: ClinVar variation 51356 (VCV000051356.29), dbSNP rs80359357, ClinGen allele CA016565.